The following is an entry in ClinVar:

ClinVar aggregate classification (germline): Uncertain significance. Review status: criteria provided, multiple submitters, no conflicts (2 of 4 stars). 2 submissions from 2 submitters: Uncertain significance (2). Last evaluated 2026-01-12.

Conditions:
Inborn genetic diseases. Identifiers: MedGen C0950123, MeSH D030342.

gnomAD v4.1: 39 of 1,614,014 alleles (0.0024%); highest among the groups gnomAD compares: Non-Finnish European, 0.003%; no homozygotes.

Submissions (3):

Dasa
Classification: Uncertain significance. Last evaluated: 2026-01-12. Review status: criteria provided, single submitter. Criteria: DASA Assertion Criteria. Collection method: clinical testing. Allele origin: germline.
Comment: NM_003128.3(SPTBN1):c.6641A>G (p.Asn2214Ser) is a missense variant that results in the substitution of asparagine with serine. This variant is rare in population databases. Computational prediction algorithms are consistent with a benign effect. The currently available literature and clinical evidence are not sufficient to establish a definitive association between this variant and the reported condition. Therefore, this variant is classified as a variant of uncertain significance.

Ambry Genetics
Classification: Uncertain significance for Inborn genetic diseases. Last evaluated: 2025-08-05. Review status: criteria provided, single submitter. Criteria: Ambry Variant Classification Scheme 2023. Collection method: clinical testing. Allele origin: germline.

Dr. Peter K. Rogan Lab, Western University
No classification provided (evidence only). Condition: Thyroid cancer, nonmedullary, 1. Review status: no classification provided. Collection method: in vitro. Allele origin: not applicable. Functional consequence: retained intron. Not counted in ClinVar's aggregate classification.

NM_003128.3(SPTBN1):c.6641A>G (p.Asn2214Ser)

Genes: SPTBN1 (spectrin beta, non-erythrocytic 1; plus strand), SPTBN1-AS2 (SPTBN1 antisense RNA 2; minus strand). Cytogenetic location: 2p16.2.
Variant type: single nucleotide variant.
Coding change: c.6641A>G on transcript NM_003128.3 (MANE Select); coding-DNA position 6641, A replaced by G.
Protein change: p.Asn2214Ser; replaces asparagine 2214 with serine.
Molecular consequence: missense variant. On other transcripts: non-coding transcript variant (1).
Genome position (GRCh38, 1-based): chr2:54,664,673, A>G. VCF-style: chr2-54664673-A-G. GRCh37 (hg19) VCF-style: chr2-54891810-A-G.
Other names: NC_000002.11:g.54891810A>G; short protein forms N2214S.
Identifiers: ClinVar variation 4174296 (VCV004174296.4).